The following is an entry in ClinVar:

NM_052874.5(STX1B):c.329C>T (p.Ala110Val)

Gene: STX1B (syntaxin 1B; minus strand). Cytogenetic location: 16p11.2.
Variant type: single nucleotide variant.
Coding change: c.329C>T on transcript NM_052874.5 (MANE Select); coding-DNA position 329, C replaced by T.
Protein change: p.Ala110Val; replaces alanine 110 with valine.
Molecular consequence: missense variant.
Genome position (GRCh38, 1-based): chr16:30,997,527, G>A on the plus strand (C>T on the coding strand, the complement: STX1B is on the minus strand). VCF-style: chr16-30997527-G-A. GRCh37 (hg19) VCF-style: chr16-31008848-G-A.
Other names: short protein forms A110V.
Identifiers: ClinVar variation 3683374 (VCV003683374.2).

ClinVar aggregate classification (germline): Uncertain significance (1 of 4 stars; one submission).

Conditions:
Generalized epilepsy with febrile seizures plus, type 9 (GEFSP9). Also called: GEFS+, TYPE 9. Identifiers: Orphanet 36387, MedGen C4015395, MONDO:0014517, OMIM 616172.

Submission:

Labcorp Genetics (formerly Invitae), Labcorp
Classification: Uncertain significance for Generalized epilepsy with febrile seizures plus, type 9. Last evaluated: 2024-12-17. Review status: criteria provided, single submitter. Criteria: Invitae Variant Classification Sherloc (09022015). Collection method: clinical testing. Allele origin: germline.
Comment: This sequence change replaces alanine, which is neutral and non-polar, with valine, which is neutral and non-polar, at codon 110 of the STX1B protein (p.Ala110Val). This variant is not present in population databases (gnomAD no frequency). This variant has not been reported in the literature in individuals affected with STX1B-related conditions. Invitae Evidence Modeling of protein sequence and biophysical properties (such as structural, functional, and spatial information, amino acid conservation, physicochemical variation, residue mobility, and thermodynamic stability) indicates that this missense variant is not expected to disrupt STX1B protein function with a negative predictive value of 80%. In summary, the available evidence is currently insufficient to determine the role of this variant in disease. Therefore, it has been classified as a Variant of Uncertain Significance.